The following is an entry in ClinVar:

ClinVar aggregate classification (germline): Uncertain significance (1 of 4 stars; one submission).

Conditions:
Infantile spasms. Also called: Infantile spasm. Identifiers: MedGen C3887898, HP:0012469.

Allele frequency attached by ClinVar (database versions not stated): gnomAD exomes below 0.00001.
gnomAD v4.1: 2 of 1,612,532 alleles (0.00012%); highest among the groups gnomAD compares: Admixed American, 0.0033%; no homozygotes.

Submission:

Labcorp Genetics (formerly Invitae), Labcorp
Classification: Uncertain significance for Infantile spasms. Last evaluated: 2021-03-29. Review status: criteria provided, single submitter. Criteria: Invitae Variant Classification Sherloc (09022015). Collection method: clinical testing. Allele origin: germline.
Comment: This variant is not present in population databases (ExAC no frequency). This variant has not been reported in the literature in individuals with PIK3AP1-related conditions. Algorithms developed to predict the effect of missense changes on protein structure and function (SIFT, PolyPhen-2, Align-GVGD) all suggest that this variant is likely to be tolerated, but these predictions have not been confirmed by published functional studies and their clinical significance is uncertain. Algorithms developed to predict the effect of sequence changes on RNA splicing suggest that this variant may create or strengthen a splice site, but this prediction has not been confirmed by published transcriptional studies. In summary, the available evidence is currently insufficient to determine the role of this variant in disease. Therefore, it has been classified as a Variant of Uncertain Significance. This sequence change replaces alanine with glycine at codon 415 of the PIK3AP1 protein (p.Ala415Gly). The alanine residue is moderately conserved and there is a small physicochemical difference between alanine and glycine.

NM_152309.3(PIK3AP1):c.1244C>G (p.Ala415Gly)

Gene: PIK3AP1 (phosphoinositide-3-kinase adaptor protein 1; minus strand). Cytogenetic location: 10q24.1.
Variant type: single nucleotide variant.
Coding change: c.1244C>G on transcript NM_152309.3 (MANE Select); coding-DNA position 1244, C replaced by G.
Protein change: p.Ala415Gly; replaces alanine 415 with glycine.
Molecular consequence: missense variant.
Genome position (GRCh38, 1-based): chr10:96,645,604, G>C on the plus strand (C>G on the coding strand, the complement: PIK3AP1 is on the minus strand). VCF-style: chr10-96645604-G-C. GRCh37 (hg19) VCF-style: chr10-98405361-G-C.
Other names: short protein forms A415G.
Identifiers: ClinVar variation 945385 (VCV000945385.9), dbSNP rs1239321656, ClinGen allele CA377744427.